The following is an entry in ClinVar:

ClinVar aggregate classification (germline): Uncertain significance (1 of 4 stars; one submission).

Allele frequency attached by ClinVar (database versions not stated): gnomAD exomes below 0.00001; TOPMed below 0.00001.
gnomAD v4.1: 1 of 1,614,198 alleles (0.000062%); highest among the groups gnomAD compares: Non-Finnish European, 0.000085%; no homozygotes.

Submission:

Labcorp Genetics (formerly Invitae), Labcorp
Classification: Uncertain significance. Last evaluated: 2021-07-30. Review status: criteria provided, single submitter. Criteria: Invitae Variant Classification Sherloc (09022015). Collection method: clinical testing. Allele origin: germline.
Comment: In summary, the available evidence is currently insufficient to determine the role of this variant in disease. Therefore, it has been classified as a Variant of Uncertain Significance. Algorithms developed to predict the effect of missense changes on protein structure and function are either unavailable or do not agree on the potential impact of this missense change (SIFT: "Not Available"; PolyPhen-2: "Probably Damaging"; Align-GVGD: "Not Available"). This variant has not been reported in the literature in individuals affected with ADAMTS18-related conditions. This variant is not present in population databases (ExAC no frequency). This sequence change replaces glutamic acid with glutamine at codon 839 of the ADAMTS18 protein (p.Glu839Gln). The glutamic acid residue is highly conserved and there is a small physicochemical difference between glutamic acid and glutamine.

NM_199355.4(ADAMTS18):c.2515G>C (p.Glu839Gln)

Gene: ADAMTS18 (ADAM metallopeptidase with thrombospondin type 1 motif 18; minus strand). Cytogenetic location: 16q23.1.
Variant type: single nucleotide variant.
Coding change: c.2515G>C on transcript NM_199355.4 (MANE Select); coding-DNA position 2515, G replaced by C.
Protein change: p.Glu839Gln; replaces glutamic acid 839 with glutamine.
Molecular consequence: missense variant.
Genome position (GRCh38, 1-based): chr16:77,319,866, C>G on the plus strand (G>C on the coding strand, the complement: ADAMTS18 is on the minus strand). VCF-style: chr16-77319866-C-G. GRCh37 (hg19) VCF-style: chr16-77353763-C-G.
Other names: c.1999G>C, p.Glu667Gln (NM_001326358.2); short protein forms E667Q, E839Q.
Identifiers: ClinVar variation 1478927 (VCV001478927.4), dbSNP rs1362155510, ClinGen allele CA396827170.